The following is an entry in ClinVar:

ClinVar aggregate classification (germline): Uncertain significance. Review status: criteria provided, multiple submitters, no conflicts (2 of 4 stars). 2 submissions from 2 submitters: Uncertain significance (2). Last evaluated 2025-11-08.

Conditions:
Joubert syndrome. Also called: JOUBERT-BOLTSHAUSER SYNDROME; Familial aplasia of the vermis. Identifiers: Orphanet 475, MedGen C5979921, MONDO:0018772.
Meckel-Gruber syndrome. Also called: Dysencephalia splachnocystica; DYSENCEPHALIA SPLANCHNOCYSTICA; GRUBER SYNDROME. Identifiers: Orphanet 564, MedGen C0265215, MONDO:0018921.

gnomAD v4.1: 42 of 1,606,630 alleles (0.0026%); highest among the groups gnomAD compares: Non-Finnish European, 0.0035%; no homozygotes.

Submissions (2):

Mayo Clinic Laboratories, Mayo Clinic
Classification: Uncertain significance. Last evaluated: 2025-11-08. Review status: criteria provided, single submitter. Criteria: ACMG Guidelines, 2015. Collection method: clinical testing. Allele origin: germline. Observed: 1 variant allele.
Comment: PP3, PM2_supporting

Labcorp Genetics (formerly Invitae), Labcorp
Classification: Uncertain significance for Joubert syndrome; Meckel-Gruber syndrome. Last evaluated: 2022-07-18. Review status: criteria provided, single submitter. Criteria: Invitae Variant Classification Sherloc (09022015). Collection method: clinical testing. Allele origin: germline.
Comment: This sequence change replaces threonine, which is neutral and polar, with isoleucine, which is neutral and non-polar, at codon 1176 of the CC2D2A protein (p.Thr1176Ile). This variant is present in population databases (rs754966579, gnomAD 0.006%). This variant has not been reported in the literature in individuals affected with CC2D2A-related conditions. ClinVar contains an entry for this variant (Variation ID: 1059805). Advanced modeling of protein sequence and biophysical properties (such as structural, functional, and spatial information, amino acid conservation, physicochemical variation, residue mobility, and thermodynamic stability) performed at Invitae indicates that this missense variant is expected to disrupt CC2D2A protein function. In summary, the available evidence is currently insufficient to determine the role of this variant in disease. Therefore, it has been classified as a Variant of Uncertain Significance.

NM_001378615.1(CC2D2A):c.3527C>T (p.Thr1176Ile)

Genes: CC2D2A (coiled-coil and C2 domain containing 2A; plus strand), FBXL5 (F-box and leucine rich repeat protein 5; minus strand). Cytogenetic location: 4p15.32.
Variant type: single nucleotide variant.
Coding change: c.3527C>T on transcript NM_001378615.1 (MANE Select); coding-DNA position 3527, C replaced by T.
Protein change: p.Thr1176Ile; replaces threonine 1176 with isoleucine.
Molecular consequence: missense variant.
Genome position (GRCh38, 1-based): chr4:15,570,429, C>T. VCF-style: chr4-15570429-C-T. GRCh37 (hg19) VCF-style: chr4-15572052-C-T.
Other names: p.Thr1176Ile; c.3527C>T, p.Thr1176Ile (NM_001080522.2); c.3380C>T, p.Thr1127Ile (NM_001378617.1); short protein forms T1127I, T1176I.
Identifiers: ClinVar variation 1059805 (VCV001059805.7), dbSNP rs754966579, ClinGen allele CA2864196.
Genomic context (GRCh38, chr4:15,570,429, plus strand): 5'-GCAATTATTACTTCCCACCCTTCCTTTAGGATGACCGTGAAAGAGGAAGTGGAATCCATA[C>T]TCGTATTGAGAGACACTGGCTGGGATGTGTGAAAATGCCATTTAGCACAATATATTTCCA-3'
Protein context (NP_001365544.1, residues 1166-1186): DDRERGSGIH[Thr1176Ile]RIERHWLGCV